The following is an entry in ClinVar:

ClinVar aggregate classification (germline): Pathogenic/Likely pathogenic. Review status: criteria provided, multiple submitters, no conflicts (2 of 4 stars). 2 submissions from 2 submitters: Pathogenic (1); Likely pathogenic (1). Last evaluated 2022-09-27.

Conditions:
Hermansky-Pudlak syndrome 1 (HPS1). Also called: DELTA STORAGE POOL DISEASE. Identifiers: Orphanet 231500, Orphanet 79430, MedGen C2931875, MONDO:0008748, OMIM 203300.

Submissions (2):

Baylor Genetics
Classification: Likely pathogenic for Hermansky-Pudlak syndrome 1. Last evaluated: 2022-09-27. Review status: criteria provided, single submitter. Criteria: ACMG Guidelines, 2015. Collection method: clinical testing. Allele origin: unknown.

Fulgent Genetics
Classification: Pathogenic for Hermansky-Pudlak syndrome 1. Last evaluated: 2021-06-30. Review status: criteria provided, single submitter. Criteria: ACMG Guidelines, 2015. Collection method: clinical testing. Allele origin: unknown.
Comment: This variant has been detected in individual(s) who were sent for testing of Renasight - kidney gene panel.

NM_000195.5(HPS1):c.780dup (p.Arg261fs)

Gene: HPS1 (HPS1 biogenesis of lysosomal organelles complex 3 subunit 1; minus strand). Cytogenetic location: 10q24.2.
Variant type: Duplication.
Coding change: c.780dup on transcript NM_000195.5 (MANE Select); coding-DNA position 780, one base duplicated (G; older notation c.780dupG).
Protein change: p.Arg261fs; shifts the reading frame from arginine 261.
Molecular consequence: frameshift variant. On other transcripts: 5 prime UTR variant (1), intron variant (8).
Genome position (GRCh38, 1-based): chr10:98,429,878, C duplicated on the plus strand (G on the coding strand, the reverse complement: HPS1 is on the minus strand); the first of 2 consecutive C bases (chr10:98,429,878-98,429,879); duplicating either gives the same sequence. VCF-style (leftmost placement, unchanged base first): chr10-98429877-T-TC. GRCh37 (hg19) VCF-style: chr10-100189634-T-TC.
Other names: c.780dup, p.Arg261fs (NM_001322476.2, NM_001322477.2, NM_182639.4); c.519dup, p.Arg174fs (NM_001322480.2, NM_001322481.2); c.411dup, p.Arg138fs (NM_001322483.2, NM_001322484.2); c.-193dup (NM_001322487.2); c.662dup, p.Gly222fs (NM_001322490.2); c.769-237dup (NM_001322478.2, NM_001322479.2, NM_001322491.2); c.400-237dup (NM_001322485.2); c.508-237dup (NM_001322482.2); and 2 more; short protein forms G222fs, R138fs, R174fs, R261fs.
Identifiers: ClinVar variation 1179029 (VCV001179029.3), dbSNP rs2136197089, ClinGen allele CA2499220521.